The following is an entry in ClinVar:

NM_004706.4(ARHGEF1):c.2390C>T (p.Thr797Met)

Gene: ARHGEF1 (Rho guanine nucleotide exchange factor 1; plus strand). Cytogenetic location: 19q13.2.
Variant type: single nucleotide variant.
Coding change: c.2390C>T on transcript NM_004706.4 (MANE Select); coding-DNA position 2390, C replaced by T.
Protein change: p.Thr797Met; replaces threonine 797 with methionine.
Molecular consequence: missense variant.
Genome position (GRCh38, 1-based): chr19:41,905,813, C>T. VCF-style: chr19-41905813-C-T. GRCh37 (hg19) VCF-style: chr19-42409965-C-T.
Other names: c.2291C>T, p.Thr764Met (NM_198977.2); c.2435C>T, p.Thr812Met (NM_199002.2); c.2435C>T (NM_199002.1); short protein forms T797M, T812M, T764M.
Identifiers: ClinVar variation 1379192 (VCV001379192.9), dbSNP rs782814578, ClinGen allele CA9466696.
Genomic context (GRCh38, chr19:41,905,813, plus strand): 5'-CCCTCAGCACCCGAGAACCCCTCCTCAGCAGCTCTGAGAACGGCAATGGTGGCCGAGAGA[C>T]GTCTCCAGCTGATGGTGAGACCAGAGGGATGCTGGGTGAGGGGCCAGGTTGGGGCTGCCG-3'
Protein context (NP_004697.2, residues 787-807): SSENGNGGRE[Thr797Met]SPADARTERI

ClinVar aggregate classification (germline): Conflicting classifications of pathogenicity. Review status: criteria provided, conflicting classifications (1 of 4 stars). 2 submissions from 2 submitters: Uncertain significance (1); Likely benign (1). Last evaluated 2025-09-02.

Allele frequency attached by ClinVar (database versions not stated): gnomAD 0.00001 and 0.00002; TOPMed 0.00002; gnomAD exomes 0.00004 and 0.00009; ExAC 0.00012.
gnomAD v4.1: 55 of 1,614,052 alleles (0.0034%); highest among the groups gnomAD compares: East Asian, 0.022%; no homozygotes.

Submissions (2):

Labcorp Genetics (formerly Invitae), Labcorp
Classification: Uncertain significance. Last evaluated: 2025-09-02. Review status: criteria provided, single submitter. Criteria: Invitae Variant Classification Sherloc (09022015). Collection method: clinical testing. Allele origin: germline.
Comment: This sequence change replaces threonine, which is neutral and polar, with methionine, which is neutral and non-polar, at codon 812 of the ARHGEF1 protein (p.Thr812Met). This variant is present in population databases (rs782814578, gnomAD 0.06%). This variant has not been reported in the literature in individuals affected with ARHGEF1-related conditions. ClinVar contains an entry for this variant (Variation ID: 1379192). An algorithm developed to predict the effect of missense changes on protein structure and function outputs the following: PolyPhen-2: "Benign". The methionine amino acid residue is found in multiple mammalian species, which suggests that this missense change does not adversely affect protein function. In summary, the available evidence is currently insufficient to determine the role of this variant in disease. Therefore, it has been classified as a Variant of Uncertain Significance.

Ambry Genetics
Classification: Likely benign. Last evaluated: 2022-01-03. Review status: criteria provided, single submitter. Criteria: Ambry Variant Classification Scheme 2023. Collection method: clinical testing. Allele origin: germline.